The following is an entry in ClinVar:

NC_000006.11:g.(?_65596580)_(65596745_?)del

Gene: EYS (eyes shut homolog; minus strand). Cytogenetic location: 6q12.
Variant type: Deletion.
Identifiers: ClinVar variation 2423830 (VCV002423830.3).

ClinVar aggregate classification (germline): Pathogenic (1 of 4 stars; one submission).

Submission:

Labcorp Genetics (formerly Invitae), Labcorp
Classification: Pathogenic. Last evaluated: 2021-10-27. Review status: criteria provided, single submitter. Criteria: Invitae Variant Classification Sherloc (09022015). Collection method: clinical testing. Allele origin: germline.
Comment: This variant is a gross deletion of the genomic region encompassing exon(s) 19 of the EYS gene. This deletion is out-of-frame, and is expected to create a premature termination codon and result in an absent or disrupted protein product. Loss-of-function variants in EYS are known to be pathogenic (PMID: 18836446, 20333770). A similar copy number variant has been observed in individual(s) with retinitis pigmentosa (PMID: 26806561). For these reasons, this variant has been classified as Pathogenic.

Literature cited by the submitters: PubMed 18836446; PubMed 20333770; PubMed 26806561.